The following is an entry in ClinVar:

ClinVar aggregate classification (germline): not provided (0 of 4 stars; one submission).

Conditions:
Large for gestational age. Identifiers: MedGen C1848395, HP:0001520.

Submission:

Institute of Molecular and Cell Biology, University of Tartu
No classification provided. Condition: Large for gestational age. Review status: no classification provided. Collection method: case-control. Allele origin: unknown. Affected: yes. Study: Kasak2014.
Comment: The study aimed to determine the contribution of copy number variants in the genetic etiology of normal and complicated pregnancies. The samples represented (i) maternal blood DNA drawn from healthy pregnant women during 1st or 2nd trimester and (ii) maternal and paternal blood DNA drawn at term pregnancy cases representing normal and complicated gestations (severe preeclampsia, PE; gestational diabetes, GD; small-for-gestational age newborn, SGA; large-for-gestational age newborn, LGA). We performed CNV calling based on genome-wide genotyping dataset (Illumina HumanOmniExpress-24-v1 BeadChip) by applying three algorithms, QuantiSNP, GADA (Genome Alteration Detection Algorithm) and CNstream in parallel. The acquired CNV calls were merged with HD-CNV (Hotspot Detector for Copy Number Variants) program and only the CNVs predicted by at least two programs, were considered in subsequent analysis.

Literature cited by the submitters: PubMed 25666259.

NC_000016.10:g.28603922_28609431dup

Variant type: Duplication.
Genome position: GRCh38: chr16:28,603,922-28,609,431. GRCh37 (hg19): chr16:28,615,243-28,620,752.
Identifiers: ClinVar variation 157362 (VCV000157362.2).